The following is an entry in ClinVar:

NM_003240.5(LEFTY2):c.484C>T (p.Leu162Phe)

Gene: LEFTY2 (left-right determination factor 2; minus strand). Cytogenetic location: 1q42.12.
Variant type: single nucleotide variant.
Coding change: c.484C>T on transcript NM_003240.5 (MANE Select); coding-DNA position 484, C replaced by T.
Protein change: p.Leu162Phe; replaces leucine 162 with phenylalanine.
Molecular consequence: missense variant.
Genome position (GRCh38, 1-based): chr1:225,939,769, G>A on the plus strand (C>T on the coding strand, the complement: LEFTY2 is on the minus strand). VCF-style: chr1-225939769-G-A. GRCh37 (hg19) VCF-style: chr1-226127469-G-A.
Other names: c.382C>T, p.Leu128Phe (NM_001172425.3); short protein forms L128F, L162F.
Identifiers: ClinVar variation 2720863 (VCV002720863.3), dbSNP rs2465081744, ClinGen allele CA345016019.
Genomic context (GRCh38, chr1:225,939,769, plus strand): 5'-GCCGAGCAGCCTCCTACTCCTGCCCTGCGCGCCCGCGCGACCCCCACCTGGAGTCGATGA[G>A]GGAGGTGCGGTTGGAGCCGTCGTCGCGGACGCGCAGCCACTCGACGGTCACCCGGGCCTG-3'
Protein context (NP_003231.2, residues 152-172): VRDDGSNRTS[Leu162Phe]IDSRLVSVHE

ClinVar aggregate classification (germline): Uncertain significance (1 of 4 stars; one submission).

Conditions:
Left-right axis malformations. Identifiers: MedGen C1866091.

Allele frequency attached by ClinVar (database versions not stated): gnomAD exomes below 0.00001.

Submission:

Labcorp Genetics (formerly Invitae), Labcorp
Classification: Uncertain significance for Left-right axis malformations. Last evaluated: 2023-05-22. Review status: criteria provided, single submitter. Criteria: Invitae Variant Classification Sherloc (09022015). Collection method: clinical testing. Allele origin: germline.
Comment: In summary, the available evidence is currently insufficient to determine the role of this variant in disease. Therefore, it has been classified as a Variant of Uncertain Significance. Advanced modeling of protein sequence and biophysical properties (such as structural, functional, and spatial information, amino acid conservation, physicochemical variation, residue mobility, and thermodynamic stability) has been performed at Invitae for this missense variant, however the output from this modeling did not meet the statistical confidence thresholds required to predict the impact of this variant on LEFTY2 protein function. This variant has not been reported in the literature in individuals affected with LEFTY2-related conditions. This variant is not present in population databases (gnomAD no frequency). This sequence change replaces leucine, which is neutral and non-polar, with phenylalanine, which is neutral and non-polar, at codon 162 of the LEFTY2 protein (p.Leu162Phe).